The following is an entry in ClinVar:

ClinVar aggregate classification (germline): Uncertain significance (1 of 4 stars; one submission).

Submission:

Labcorp Genetics (formerly Invitae), Labcorp
Classification: Uncertain significance. Last evaluated: 2022-11-03. Review status: criteria provided, single submitter. Criteria: Invitae Variant Classification Sherloc (09022015). Collection method: clinical testing. Allele origin: germline.
Comment: In summary, the available evidence is currently insufficient to determine the role of this variant in disease. Therefore, it has been classified as a Variant of Uncertain Significance. Experimental studies and prediction algorithms are not available or were not evaluated, and the functional significance of this variant is currently unknown. This variant has not been reported in the literature in individuals affected with GNAT1-related conditions. This variant is present in population databases (no rsID available, gnomAD 0.004%). This variant, c.811_813del, results in the deletion of 1 amino acid(s) of the GNAT1 protein (p.Phe271del), but otherwise preserves the integrity of the reading frame.

NM_144499.3(GNAT1):c.808TTC[1] (p.Phe271del)

Gene: GNAT1 (G protein subunit alpha transducin 1; plus strand). Cytogenetic location: 3p21.31.
Variant type: Microsatellite.
Coding change: c.808TTC[1] on transcript NM_144499.3 (MANE Select); one copy of the 3-base unit TTC starting at c.808; the reference has two copies in a row; one copy, 3 bases deleted.
Protein change: p.Phe271del; deletes phenylalanine 271.
Molecular consequence: inframe deletion.
Genome position (GRCh38, 1-based): chr3:50,194,603-50,194,605, TTC deleted; deleting any 3 consecutive bases within chr3:50,194,598-50,194,605 gives the same sequence; the position shown is the placement nearest the transcript's 3' end. VCF-style (leftmost placement, unchanged base first): chr3-50194597-GTCT-G. GRCh37 (hg19) VCF-style: chr3-50232030-GTCT-G.
Other names: c.808TTC[1], p.Phe271del (NM_000172.4); short protein forms F271del.
Identifiers: ClinVar variation 2797718 (VCV002797718.3), dbSNP rs1559747220, ClinGen allele CA543052731.